The following is an entry in ClinVar:

NM_001042492.3(NF1):c.2860A>G (p.Thr954Ala)

Gene: NF1 (neurofibromin 1; plus strand). Cytogenetic location: 17q11.2.
Variant type: single nucleotide variant.
Coding change: c.2860A>G on transcript NM_001042492.3 (MANE Select); coding-DNA position 2860, A replaced by G.
Protein change: p.Thr954Ala; replaces threonine 954 with alanine.
Molecular consequence: missense variant.
Genome position (GRCh38, 1-based): chr17:31,229,844, A>G. VCF-style: chr17-31229844-A-G. GRCh37 (hg19) VCF-style: chr17-29556862-A-G.
Other names: c.2860A>G, p.Thr954Ala (NM_000267.4); short protein forms T954A.
Identifiers: ClinVar variation 3404695 (VCV003404695.1).

ClinVar aggregate classification (germline): Uncertain significance (1 of 4 stars; one submission).

Conditions:
Hereditary cancer-predisposing syndrome. Also called: Hereditary Cancer Syndrome; Tumor predisposition; Hereditary neoplastic syndrome; Neoplastic Syndromes, Hereditary. Identifiers: Orphanet 140162, MedGen C0027672, MeSH D009386, MONDO:0015356.
Cardiovascular phenotype. Identifiers: MedGen CN230736.

gnomAD v4.1: 2 of 1,611,708 alleles (0.00012%); highest among the groups gnomAD compares: Non-Finnish European, 0.00017%; no homozygotes.

Submission:

Ambry Genetics
Classification: Uncertain significance for Cardiovascular phenotype; Hereditary cancer-predisposing syndrome. Last evaluated: 2024-08-05. Review status: criteria provided, single submitter. Criteria: Ambry Variant Classification Scheme 2023. Collection method: clinical testing. Allele origin: germline.
Comment: The p.T954A variant (also known as c.2860A>G), located in coding exon 22 of the NF1 gene, results from an A to G substitution at nucleotide position 2860. The threonine at codon 954 is replaced by alanine, an amino acid with similar properties. This amino acid position is conserved. In addition, this alteration is predicted to be tolerated by in silico analysis. Based on the available evidence, the clinical significance of this variant remains unclear.